The following is an entry in ClinVar:

NM_014249.4(NR2E3):c.151G>A (p.Gly51Arg)

Gene: NR2E3 (nuclear receptor subfamily 2 group E member 3; plus strand). Cytogenetic location: 15q23.
Variant type: single nucleotide variant.
Coding change: c.151G>A on transcript NM_014249.4 (MANE Select); coding-DNA position 151, G replaced by A.
Protein change: p.Gly51Arg; replaces glycine 51 with arginine.
Molecular consequence: missense variant.
Genome position (GRCh38, 1-based): chr15:71,811,515, G>A. VCF-style: chr15-71811515-G-A. GRCh37 (hg19) VCF-style: chr15-72103855-G-A.
Other names: c.151G>A, p.Gly51Arg (NM_016346.4); c.151G>A (NM_014249.2); short protein forms G51R.
Identifiers: ClinVar variation 1065725 (VCV001065725.13), dbSNP rs544807110, ClinGen allele CA7640229.

ClinVar aggregate classification (germline): Conflicting classifications of pathogenicity. Review status: criteria provided, conflicting classifications (1 of 4 stars). 7 submissions from 7 submitters: Pathogenic (1); Likely pathogenic (4); Uncertain significance (2). Last evaluated 2026-02-23.

Conditions:
Retinal dystrophy. Also called: Inherited retinal dystrophy. Identifiers: Orphanet 71862, MedGen C0854723, MeSH D058499, MONDO:0019118, HP:0000556.
NR2E3-related disorder. Also called: NR2E3-related disorders; NR2E3-related condition. Identifiers: MedGen CN239387.
Enhanced S-cone syndrome (ESCS). Identifiers: Orphanet 53540, MedGen C1849394, MONDO:0100288, MONDO:0009989.
Retinitis pigmentosa 37 (RP37). Identifiers: Orphanet 791, MedGen C1970163, MONDO:0012625, OMIM 611131.

Allele frequency attached by ClinVar (database versions not stated): gnomAD exomes 0.00001 and 0.00002; ExAC 0.00004; gnomAD 0.00004; 1000 Genomes Project 30x 0.00016; 1000 Genomes Project 0.00020.
gnomAD v4.1: 26 of 1,571,668 alleles (0.0017%); highest among the groups gnomAD compares: East Asian, 0.0071%; no homozygotes.

Submissions (7):

GeneDx
Classification: Uncertain significance. Last evaluated: 2026-02-23. Review status: criteria provided, single submitter. Criteria: GeneDx Variant Classification Process June 2021. Collection method: clinical testing. Allele origin: germline.
Comment: Identified in patients with clinical features consistent with an NR2E3-related disorder in published literature (PMID: 37734845, 31213501); In silico analysis supports that this missense variant has a deleterious effect on protein structure/function; This variant is associated with the following publications: (PMID: 19882934, 23374571, 31213501, 34906470, 37734845)

PreventionGenetics, part of Exact Sciences
Classification: Likely pathogenic for NR2E3-related condition. Last evaluated: 2025-07-09. Review status: criteria provided, single submitter. Criteria: ACMG Guidelines, 2015. Collection method: clinical testing. Allele origin: germline.
Comment: The NR2E3 c.151G>A variant is predicted to result in the amino acid substitution p.Gly51Arg. This variant has been reported in the homozygous or compound heterozygous state in individuals with autosomal recessive NE2E3-related retinal disease (Kuniyoshi et al. 2013. PubMed ID: 23374571; Table S8, Koyanagi et al. 2019. PubMed ID: 31213501; Supplementary table 3, Zampaglione et al. 2021. PubMed ID: 34906470; Table S1, Weisschuh et al. 2024. PubMed ID: 37734845). This variant is reported in 0.0054% of alleles in individuals of African descent in gnomAD. This variant is interpreted as likely pathogenic.

Labcorp Genetics (formerly Invitae), Labcorp
Classification: Uncertain significance. Last evaluated: 2024-12-16. Review status: criteria provided, single submitter. Criteria: Invitae Variant Classification Sherloc (09022015). Collection method: clinical testing. Allele origin: germline.
Comment: This sequence change replaces glycine with arginine at codon 51 of the NR2E3 protein (p.Gly51Arg). The glycine residue is highly conserved and there is a moderate physicochemical difference between glycine and arginine. The frequency data for this variant in the population databases is considered unreliable, as metrics indicate poor data quality at this position in the gnomAD database. This missense change has been observed in individual(s) with clinical features of NR2E3-related conditions (PMID: 23374571, 31213501, 34906470, 37734845; internal data). In at least one individual the data is consistent with being in trans (on the opposite chromosome) from a pathogenic variant. ClinVar contains an entry for this variant (Variation ID: 1065725). Invitae Evidence Modeling of protein sequence and biophysical properties (such as structural, functional, and spatial information, amino acid conservation, physicochemical variation, residue mobility, and thermodynamic stability) indicates that this missense variant is not expected to disrupt NR2E3 protein function with a negative predictive value of 80%. In summary, the available evidence is currently insufficient to determine the role of this variant in disease. Therefore, it has been classified as a Variant of Uncertain Significance.

Baylor Genetics
Classification: Pathogenic for ENHANCED S-CONE SYNDROME 1. Last evaluated: 2024-01-22. Review status: criteria provided, single submitter. Criteria: ACMG Guidelines, 2015. Collection method: clinical testing. Allele origin: unknown.

Dept Of Ophthalmology, Nagoya University
Classification: Likely pathogenic for Retinal dystrophy. Last evaluated: 2023-10-01. Review status: criteria provided, single submitter. Criteria: Submitter's publication. Collection method: research. Allele origin: germline. Affected: yes.

Blueprint Genetics
Classification: Likely pathogenic for NR2E3-related disorders. Last evaluated: 2023-04-05. Review status: criteria provided, single submitter. Criteria: ACMG Guidelines, 2015. Collection method: clinical testing. Allele origin: germline. Affected: yes. Observed: 4 variant alleles.

Ocular Genomics Institute, Massachusetts Eye and Ear
Classification: Likely pathogenic for Retinitis pigmentosa 37. Last evaluated: 2021-04-08. Review status: criteria provided, single submitter. Criteria: ACMG Guidelines, 2015. Collection method: research. Allele origin: germline. Affected: yes.
Comment: Through a review of available evidence we were able to apply the following criteria: PP3, PM2, PM3, PM1. Based on this evidence we have classified this variant as Likely Pathogenic.

Literature cited by the submitters: PubMed 23374571 (cited by Labcorp Genetics (formerly Invitae), Labcorp and Ocular Genomics Institute, Massachusetts Eye and Ear); PubMed 31213501 (cited by Labcorp Genetics (formerly Invitae), Labcorp); PubMed 34906470 (cited by Labcorp Genetics (formerly Invitae), Labcorp); PubMed 37734845 (cited by Labcorp Genetics (formerly Invitae), Labcorp).